The following is an entry in ClinVar:

NM_016169.4(SUFU):c.945A>G (p.Gly315=)

Gene: SUFU (SUFU negative regulator of hedgehog signaling; plus strand). Cytogenetic location: 10q24.32.
Variant type: single nucleotide variant.
Coding change: c.945A>G on transcript NM_016169.4 (MANE Select); coding-DNA position 945, A replaced by G.
Protein change: p.Gly315=; no amino-acid change (glycine 315 retained).
Molecular consequence: synonymous variant.
Genome position (GRCh38, 1-based): chr10:102,599,467, A>G. VCF-style: chr10-102599467-A-G. GRCh37 (hg19) VCF-style: chr10-104359224-A-G.
Other names: c.945A>G, p.Gly315= (NM_001178133.2).
Identifiers: ClinVar variation 4085739 (VCV004085739.8).

ClinVar aggregate classification (germline): Likely benign (1 of 4 stars; one submission).

gnomAD v4.1: 2 of 1,614,008 alleles (0.00012%); highest among the groups gnomAD compares: Non-Finnish European, 0.00017%; no homozygotes.

Submission:

CeGaT Center for Human Genetics Tuebingen
Classification: Likely benign. Last evaluated: 2025-08-01. Review status: criteria provided, single submitter. Criteria: CeGaT Center For Human Genetics Tuebingen Variant Classification Criteria Version 2. Collection method: clinical testing. Allele origin: germline. Affected: yes. Observed: 1 variant allele.
Comment: SUFU: BP4, BP7